The following is an entry in ClinVar:

ClinVar aggregate classification (germline): Uncertain significance (1 of 4 stars; one submission).

Submission:

Labcorp Genetics (formerly Invitae), Labcorp
Classification: Uncertain significance. Last evaluated: 2025-07-08. Review status: criteria provided, single submitter. Criteria: Invitae Variant Classification Sherloc (09022015). Collection method: clinical testing. Allele origin: germline.
Comment: This sequence change replaces glycine, which is neutral and non-polar, with glutamic acid, which is acidic and polar, at codon 373 of the MAP3K7 protein (p.Gly373Glu). This variant is not present in population databases (gnomAD no frequency). This variant has not been reported in the literature in individuals affected with MAP3K7-related conditions. An algorithm developed to predict the effect of missense changes on protein structure and function (PolyPhen-2) suggests that this variant is likely to be tolerated. In summary, the available evidence is currently insufficient to determine the role of this variant in disease. Therefore, it has been classified as a Variant of Uncertain Significance.

NM_145331.3(MAP3K7):c.1118G>A (p.Gly373Glu)

Gene: MAP3K7 (mitogen-activated protein kinase kinase kinase 7; minus strand). Cytogenetic location: 6q15.
Variant type: single nucleotide variant.
Coding change: c.1118G>A on transcript NM_145331.3 (MANE Select); coding-DNA position 1118, G replaced by A.
Protein change: p.Gly373Glu; replaces glycine 373 with glutamic acid.
Molecular consequence: missense variant.
Genome position (GRCh38, 1-based): chr6:90,547,350, C>T on the plus strand (G>A on the coding strand, the complement: MAP3K7 is on the minus strand). VCF-style: chr6-90547350-C-T. GRCh37 (hg19) VCF-style: chr6-91257069-C-T.
Other names: c.1118G>A, p.Gly373Glu (NM_003188.4, NM_145332.3, NM_145333.3); short protein forms G373E.
Identifiers: ClinVar variation 4740777 (VCV004740777.1).